The following is an entry in ClinVar:

NM_001127222.2(CACNA1A):c.6051-3C>A

Gene: CACNA1A (calcium voltage-gated channel subunit alpha1 A; minus strand). Cytogenetic location: 19p13.13.
Variant type: single nucleotide variant.
Coding change: c.6051-3C>A on transcript NM_001127222.2 (MANE Select); 3 bases into the intron before coding-DNA position 6051, C replaced by A.
Molecular consequence: intron variant.
Genome position (GRCh38, 1-based): chr19:13,212,525, G>T on the plus strand (C>A on the coding strand, the complement: CACNA1A is on the minus strand). VCF-style: chr19-13212525-G-T. GRCh37 (hg19) VCF-style: chr19-13323339-G-T.
Other names: c.6054-3C>A (NM_001127221.2); c.6060-3C>A (NM_001174080.2); c.6069-3C>A (NM_000068.4, NM_023035.3).
Identifiers: ClinVar variation 1480316 (VCV001480316.6), dbSNP rs1318280840, ClinGen allele CA632122978.

ClinVar aggregate classification (germline): Uncertain significance (1 of 4 stars; one submission).

Conditions:
Developmental and epileptic encephalopathy, 42 (DEE42A). Also called: DEVELOPMENTAL AND EPILEPTIC ENCEPHALOPATHY 42A; EPILEPTIC ENCEPHALOPATHY, EARLY INFANTILE, 42A; Epileptic encephalopathy, early infantile, 42. Identifiers: MedGen C4310716, MONDO:0014917, OMIM 617106.
Episodic ataxia type 2 (EA2). Also called: ATAXIA, EPISODIC, WITH NYSTAGMUS; ATAXIA, FAMILIAL PAROXYSMAL; CEREBELLAR ATAXIA, PAROXYSMAL, ACETAZOLAMIDE-RESPONSIVE; CEREBELLOPATHY, HEREDITARY PAROXYSMAL; EPISODIC ATAXIA, NYSTAGMUS-ASSOCIATED; ACETAZOLAMIDE-RESPONSIVE HEREDITARY PAROXYSMAL CEREBELLAR ATAXIA. Identifiers: Orphanet 97, MedGen C1720416, MONDO:0007163, OMIM 108500.

gnomAD v4.1: 17 of 1,564,784 alleles (0.0011%); highest among the groups gnomAD compares: Non-Finnish European, 0.0015%; no homozygotes.

Submission:

Labcorp Genetics (formerly Invitae), Labcorp
Classification: Uncertain significance for Developmental and epileptic encephalopathy, 42; Episodic ataxia type 2. Last evaluated: 2025-05-06. Review status: criteria provided, single submitter. Criteria: Invitae Variant Classification Sherloc (09022015). Collection method: clinical testing. Allele origin: germline.
Comment: This sequence change falls in intron 41 of the CACNA1A gene. It does not directly change the encoded amino acid sequence of the CACNA1A protein. It affects a nucleotide within the consensus splice site. This variant is not present in population databases (gnomAD no frequency). This variant has not been reported in the literature in individuals affected with CACNA1A-related conditions. ClinVar contains an entry for this variant (Variation ID: 1480316). Variants that disrupt the consensus splice site are a relatively common cause of aberrant splicing (PMID: 17576681, 9536098). Algorithms developed to predict the effect of sequence changes on RNA splicing suggest that this variant may disrupt the consensus splice site. In summary, the available evidence is currently insufficient to determine the role of this variant in disease. Therefore, it has been classified as a Variant of Uncertain Significance.

Literature cited by the submitters: PubMed 17576681; PubMed 9536098.